The following is an entry in ClinVar:

NM_017636.4(TRPM4):c.3042G>T (p.Gln1014His)

Gene: TRPM4 (transient receptor potential cation channel subfamily M member 4; plus strand). Cytogenetic location: 19q13.33.
Variant type: single nucleotide variant.
Coding change: c.3042G>T on transcript NM_017636.4 (MANE Select); coding-DNA position 3042, G replaced by T.
Protein change: p.Gln1014His; replaces glutamine 1014 with histidine.
Molecular consequence: missense variant.
Genome position (GRCh38, 1-based): chr19:49,202,052, G>T. VCF-style: chr19-49202052-G-T. GRCh37 (hg19) VCF-style: chr19-49705309-G-T.
Other names: c.2607G>T, p.Gln869His (NM_001195227.2); c.2697G>T, p.Gln899His (NM_001321281.2); c.1434G>T, p.Gln478His (NM_001321282.2); c.2520G>T, p.Gln840His (NM_001321283.2); c.1980G>T, p.Gln660His (NM_001321285.2); short protein forms Q1014H, Q478H, Q869H, Q660H, Q840H, Q899H.
Identifiers: ClinVar variation 3974276 (VCV003974276.1).

ClinVar aggregate classification (germline): Uncertain significance (1 of 4 stars; one submission).

Conditions:
Cardiovascular phenotype. Identifiers: MedGen CN230736.

gnomAD v4.1: 8 of 1,614,060 alleles (0.0005%); highest among the groups gnomAD compares: Non-Finnish European, 0.00068%; no homozygotes.

Submission:

Ambry Genetics
Classification: Uncertain significance for Cardiovascular phenotype. Last evaluated: 2025-05-10. Review status: criteria provided, single submitter. Criteria: Ambry Variant Classification Scheme 2023. Collection method: clinical testing. Allele origin: germline.
Comment: The p.Q1014H variant (also known as c.3042G>T), located in coding exon 20 of the TRPM4 gene, results from a G to T substitution at nucleotide position 3042. The glutamine at codon 1014 is replaced by histidine, an amino acid with highly similar properties. This amino acid position is conserved. In addition, this alteration is predicted to be tolerated by in silico analysis. Based on the available evidence, the clinical significance of this variant remains unclear.